The following is an entry in ClinVar:

ClinVar aggregate classification (germline): Uncertain significance (1 of 4 stars; one submission).

Conditions:
Charcot-Marie-Tooth disease type 2. Also called: Charcot-Marie-Tooth type 2. Identifiers: Orphanet 64746, MedGen C0270914, MONDO:0018993.

Allele frequency attached by ClinVar (database versions not stated): gnomAD 0.00001; gnomAD exomes 0.00001; TOPMed below 0.00001; ExAC 0.00002.

Submission:

Labcorp Genetics (formerly Invitae), Labcorp
Classification: Uncertain significance for Charcot-Marie-Tooth disease type 2. Last evaluated: 2025-12-01. Review status: criteria provided, single submitter. Criteria: Invitae Variant Classification Sherloc (09022015). Collection method: clinical testing. Allele origin: germline.
Comment: This sequence change falls in intron 15 of the KIF1B gene. It does not directly change the encoded amino acid sequence of the KIF1B protein. This variant is present in population databases (rs753916702, gnomAD 0.002%). This variant has not been reported in the literature in individuals affected with KIF1B-related conditions. ClinVar contains an entry for this variant (Variation ID: 1985590). Algorithms developed to predict the effect of sequence changes on RNA splicing suggest that this variant may disrupt the consensus splice site. In summary, the available evidence is currently insufficient to determine the role of this variant in disease. Therefore, it has been classified as a Variant of Uncertain Significance.

NM_001365951.3(KIF1B):c.1591-11A>G

Gene: KIF1B (kinesin family member 1B; plus strand). Cytogenetic location: 1p36.22.
Variant type: single nucleotide variant.
Coding change: c.1591-11A>G on transcript NM_001365951.3 (MANE Select); 11 bases into the intron before coding-DNA position 1591, A replaced by G.
Molecular consequence: intron variant.
Genome position (GRCh38, 1-based): chr1:10,295,075, A>G. VCF-style: chr1-10295075-A-G. GRCh37 (hg19) VCF-style: chr1-10355133-A-G.
Other names: c.1453-11A>G (NM_183416.4, NM_015074.3, NM_001365953.1); c.1591-11A>G (NM_001365952.1).
Identifiers: ClinVar variation 1985590 (VCV001985590.4), dbSNP rs753916702, ClinGen allele CA581031.